The following is an entry in ClinVar:

ClinVar aggregate classification (germline): Conflicting classifications of pathogenicity. Review status: criteria provided, conflicting classifications (1 of 4 stars). 2 submissions from 2 submitters: Uncertain significance (1); Benign (1). Last evaluated 2023-01-01.

Conditions:
Hereditary spastic paraplegia 30. Identifiers: Orphanet 101010, MedGen C5235139, MONDO:0012476.

Allele frequency attached by ClinVar (database versions not stated): 1000 Genomes Project 30x 0.00375; 1000 Genomes Project 0.00399; gnomAD 0.00441 and 0.00472; TOPMed 0.00460.

Submissions (2):

CeGaT Center for Human Genetics Tuebingen
Classification: Benign. Last evaluated: 2023-01-01. Review status: criteria provided, single submitter. Criteria: CeGaT Center For Human Genetics Tuebingen Variant Classification Criteria Version 2. Collection method: clinical testing. Allele origin: germline. Affected: yes. Observed: 1 variant allele.
Comment: KIF1A: BS1, BS2

Illumina Laboratory Services, Illumina
Classification: Uncertain significance for Spastic paraplegia 30A, autosomal dominant. Last evaluated: 2018-01-13. Review status: criteria provided, single submitter. Criteria: ICSL Variant Classification Criteria 13 December 2019. Collection method: clinical testing. Allele origin: germline.

NM_001244008.2(KIF1A):c.*1418G>A

Gene: KIF1A (kinesin family member 1A; minus strand). Cytogenetic location: 2q37.3.
Variant type: single nucleotide variant.
Coding change: c.*1418G>A on transcript NM_001244008.2 (MANE Select); 1418 bases downstream of the stop codon, G replaced by A.
Molecular consequence: 3 prime UTR variant.
Genome position (GRCh38, 1-based): chr2:240,715,946, C>T on the plus strand (G>A on the coding strand, the complement: KIF1A is on the minus strand). VCF-style: chr2-240715946-C-T. GRCh37 (hg19) VCF-style: chr2-241655363-C-T.
Other names: c.*1418G>A (NM_001320705.2, NM_001330289.2, NM_001330290.2 and 20 more transcripts).
Identifiers: ClinVar variation 897884 (VCV000897884.28), dbSNP rs115877951, ClinGen allele CA68129448.
Genomic context (GRCh38, chr2:240,715,946, plus strand): 5'-GCGGGAGAGGGGCTCTGTTGCTTGGCTACTGTCTTTCCTTGAGCTAAAAAGAGACCAAAT[C>T]GACCTGTGGGTGTGGGTGGGGAGGGCCCTAAAACCTCCCTAGGCCTCTGGACATGACTCC-3'